The following is an entry in ClinVar:

ClinVar aggregate classification (germline): Benign/Likely benign. Review status: criteria provided, multiple submitters, no conflicts (2 of 4 stars). 2 submissions from 2 submitters: Benign (1); Likely benign (1). Last evaluated 2026-04-01.

Allele frequency attached by ClinVar (database versions not stated): 1000 Genomes Project 30x 0.00016; 1000 Genomes Project 0.00020; ExAC 0.00052; TOPMed 0.00077; ESP Exome Variant Server 0.00080; gnomAD 0.00093.
gnomAD v4.1: 1,901 of 1,404,452 alleles (0.14%); highest among the groups gnomAD compares: Non-Finnish European, 0.17%; 4 homozygotes.

Submissions (2):

CeGaT Center for Human Genetics Tuebingen
Classification: Likely benign. Last evaluated: 2026-04-01. Review status: criteria provided, single submitter. Criteria: CeGaT Center For Human Genetics Tuebingen Variant Classification Criteria Version 2. Collection method: clinical testing. Allele origin: germline. Affected: yes. Observed: 5 variant alleles.
Comment: PRR12: BS1

Laboratory of Genetics, Children's Clinical University Hospital Latvia
Classification: Benign. Last evaluated: 2025-02-16. Review status: criteria provided, single submitter. Criteria: ACMG Guidelines, 2015. Collection method: clinical testing. Allele origin: germline. Affected: yes.

NM_020719.3(PRR12):c.1118C>T (p.Ala373Val)

Gene: PRR12 (proline rich 12; plus strand). Cytogenetic location: 19q13.33.
Variant type: single nucleotide variant.
Coding change: c.1118C>T on transcript NM_020719.3 (MANE Select); coding-DNA position 1118, C replaced by T.
Protein change: p.Ala373Val; replaces alanine 373 with valine.
Molecular consequence: missense variant.
Genome position (GRCh38, 1-based): chr19:49,595,453, C>T. VCF-style: chr19-49595453-C-T. GRCh37 (hg19) VCF-style: chr19-50098710-C-T.
Other names: short protein forms A373V.
Identifiers: ClinVar variation 2650256 (VCV002650256.25), dbSNP rs376580810, ClinGen allele CA9577791.